The following is an entry in ClinVar:

NC_000003.11:g.(?_58148861)_(58149077_?)del

Gene: FLNB (filamin B; plus strand). Cytogenetic location: 3p14.3.
Variant type: Deletion.
Identifiers: ClinVar variation 1350030 (VCV001350030.6).

ClinVar aggregate classification (germline): Uncertain significance (1 of 4 stars; one submission).

Submission:

Labcorp Genetics (formerly Invitae), Labcorp
Classification: Uncertain significance. Last evaluated: 2021-08-03. Review status: criteria provided, single submitter. Criteria: Invitae Variant Classification Sherloc (09022015). Collection method: clinical testing. Allele origin: germline.
Comment: In summary, the available evidence is currently insufficient to determine the role of this variant in disease. Therefore, it has been classified as a Variant of Uncertain Significance. Experimental studies and prediction algorithms are not available or were not evaluated, and the functional significance of this variant is currently unknown. This variant has not been reported in the literature in individuals with FLNB-related conditions. This variant is a gross deletion of the genomic region encompassing exon(s) 43 of the FLNB gene. This variant would be expected to be in-frame, preserving the integrity of the reading frame.